The following is an entry in ClinVar:

ClinVar aggregate classification (germline): Likely benign. Review status: criteria provided, multiple submitters, no conflicts (2 of 4 stars). 2 submissions from 2 submitters: Likely benign (2). Last evaluated 2025-05-30.

Conditions:
Melanoma, cutaneous malignant, susceptibility to, 3. Also called: Cutaneous malignant melanoma 3. Identifiers: Orphanet 618, MedGen C1836892, MONDO:0012183, OMIM 609048.
Familial melanoma. Also called: Hereditary melanoma; Hereditary cutaneous melanoma. Identifiers: Orphanet 618, MedGen C1512419, MONDO:0018961.

Allele frequency attached by ClinVar (database versions not stated): TOPMed below 0.00001.

Submissions (2):

Labcorp Genetics (formerly Invitae), Labcorp
Classification: Likely benign for Familial melanoma. Last evaluated: 2025-05-30. Review status: criteria provided, single submitter. Criteria: Invitae Variant Classification Sherloc (09022015). Collection method: clinical testing. Allele origin: germline.

Myriad Genetics, Inc.
Classification: Likely benign for Melanoma, cutaneous malignant, susceptibility to, 3. Last evaluated: 2024-09-25. Review status: criteria provided, single submitter. Criteria: Myriad Autosomal Dominant, Autosomal Recessive and X-Linked Classification Criteria (2023). Collection method: clinical testing. Allele origin: unknown.
Comment: This variant is considered likely benign. This variant is intronic and is not expected to impact mRNA splicing.

NM_000075.4(CDK4):c.355-10T>C

Gene: CDK4 (cyclin dependent kinase 4; minus strand). Cytogenetic location: 12q14.1.
Variant type: single nucleotide variant.
Coding change: c.355-10T>C on transcript NM_000075.4 (MANE Select); 10 bases into the intron before coding-DNA position 355, T replaced by C.
Molecular consequence: intron variant.
Genome position (GRCh38, 1-based): chr12:57,751,100, A>G on the plus strand (T>C on the coding strand, the complement: CDK4 is on the minus strand). VCF-style: chr12-57751100-A-G. GRCh37 (hg19) VCF-style: chr12-58144883-A-G.
Identifiers: ClinVar variation 798506 (VCV000798506.11), dbSNP rs1595110574, ClinGen allele CA915948427.